The following is an entry in ClinVar:

NM_021930.6(RINT1):c.1385C>T (p.Ser462Leu)

Gene: RINT1 (RAD50 interactor 1; plus strand). Cytogenetic location: 7q22.3.
Variant type: single nucleotide variant.
Coding change: c.1385C>T on transcript NM_021930.6 (MANE Select); coding-DNA position 1385, C replaced by T.
Protein change: p.Ser462Leu; replaces serine 462 with leucine.
Molecular consequence: missense variant. On other transcripts: non-coding transcript variant (1).
Genome position (GRCh38, 1-based): chr7:105,551,621, C>T. VCF-style: chr7-105551621-C-T. GRCh37 (hg19) VCF-style: chr7-105192068-C-T.
Other names: c.1151C>T, p.Ser384Leu (NM_001346599.2); c.362C>T, p.Ser121Leu (NM_001346600.2, NM_001346603.2); c.461C>T, p.Ser154Leu (NM_001346601.2); short protein forms S121L, S154L, S384L, S462L.
Identifiers: ClinVar variation 1064327 (VCV001064327.11), dbSNP rs750920467, ClinGen allele CA4426670.

ClinVar aggregate classification (germline): Conflicting classifications of pathogenicity. Review status: criteria provided, conflicting classifications (1 of 4 stars). 2 submissions from 2 submitters: Uncertain significance (1); Likely benign (1). Last evaluated 2023-08-03.

Allele frequency attached by ClinVar (database versions not stated): gnomAD 0.00001; TOPMed 0.00001; ExAC 0.00006; gnomAD exomes 0.00006.
gnomAD v4.1: 26 of 1,609,888 alleles (0.0016%); highest among the groups gnomAD compares: Admixed American, 0.029%; no homozygotes.

Submissions (2):

Labcorp Genetics (formerly Invitae), Labcorp
Classification: Uncertain significance. Last evaluated: 2023-08-03. Review status: criteria provided, single submitter. Criteria: Invitae Variant Classification Sherloc (09022015). Collection method: clinical testing. Allele origin: germline.
Comment: In summary, the available evidence is currently insufficient to determine the role of this variant in disease. Therefore, it has been classified as a Variant of Uncertain Significance. An algorithm developed to predict the effect of missense changes on protein structure and function (PolyPhen-2) suggests that this variant is likely to be disruptive. ClinVar contains an entry for this variant (Variation ID: 1064327). This missense change has been observed in individual(s) with breast cancer (PMID: 25050558). This variant is present in population databases (rs750920467, gnomAD 0.04%). This sequence change replaces serine, which is neutral and polar, with leucine, which is neutral and non-polar, at codon 462 of the RINT1 protein (p.Ser462Leu).

Ambry Genetics
Classification: Likely benign. Last evaluated: 2020-07-02. Review status: criteria provided, single submitter. Criteria: Ambry Variant Classification Scheme 2023. Collection method: clinical testing. Allele origin: germline.

Literature cited by the submitters: PubMed 25050558 (cited by Labcorp Genetics (formerly Invitae), Labcorp).